The following is an entry in ClinVar:

ClinVar aggregate classification (germline): Conflicting classifications of pathogenicity. Review status: criteria provided, conflicting classifications (1 of 4 stars). 3 submissions from 3 submitters: Likely pathogenic (1); Uncertain significance (2). Last evaluated 2025-12-20.

Conditions:
Meier-Gorlin syndrome 3 (MGORS3). Identifiers: Orphanet 2554, MedGen C3151113, MONDO:0013430, OMIM 613803.
Inborn genetic diseases. Identifiers: MedGen C0950123, MeSH D030342.

Allele frequency attached by ClinVar (database versions not stated): gnomAD exomes 0.00001; ExAC 0.00002; gnomAD 0.00003 and 0.00004; TOPMed 0.00007; ESP Exome Variant Server 0.00008; 1000 Genomes Project 30x 0.00016; 1000 Genomes Project 0.00020.
gnomAD v4.1: 21 of 1,613,810 alleles (0.0013%); highest among the groups gnomAD compares: African/African-American, 0.023%; no homozygotes.

Submissions (3):

Labcorp Genetics (formerly Invitae), Labcorp
Classification: Uncertain significance. Last evaluated: 2025-12-20. Review status: criteria provided, single submitter. Criteria: Invitae Variant Classification Sherloc (09022015). Collection method: clinical testing. Allele origin: germline.
Comment: This sequence change replaces tyrosine, which is neutral and polar, with asparagine, which is neutral and polar, at codon 79 of the ORC6 protein (p.Tyr79Asn). This variant is present in population databases (rs200089121, gnomAD 0.03%). This variant has not been reported in the literature in individuals affected with ORC6-related conditions. ClinVar contains an entry for this variant (Variation ID: 436123). Invitae Evidence Modeling of protein sequence and biophysical properties (such as structural, functional, and spatial information, amino acid conservation, physicochemical variation, residue mobility, and thermodynamic stability) indicates that this missense variant is expected to disrupt ORC6 protein function with a positive predictive value of 80%. In summary, the available evidence is currently insufficient to determine the role of this variant in disease. Therefore, it has been classified as a Variant of Uncertain Significance.

Ambry Genetics
Classification: Uncertain significance for Inborn genetic diseases. Last evaluated: 2023-12-18. Review status: criteria provided, single submitter. Criteria: Ambry Variant Classification Scheme 2023. Collection method: clinical testing. Allele origin: germline.

Genetic Services Laboratory, University of Chicago
Classification: Likely pathogenic for Meier-Gorlin syndrome 3. Last evaluated: 2016-11-28. Review status: criteria provided, single submitter. Criteria: ACMG Guidelines, 2015. Collection method: clinical testing. Allele origin: germline. Affected: yes.

NM_014321.4(ORC6):c.235T>A (p.Tyr79Asn)

Gene: ORC6 (origin recognition complex subunit 6; plus strand). Cytogenetic location: 16q11.2.
Variant type: single nucleotide variant.
Coding change: c.235T>A on transcript NM_014321.4 (MANE Select); coding-DNA position 235, T replaced by A.
Protein change: p.Tyr79Asn; replaces tyrosine 79 with asparagine.
Molecular consequence: missense variant. On other transcripts: non-coding transcript variant (1).
Genome position (GRCh38, 1-based): chr16:46,692,421, T>A. VCF-style: chr16-46692421-T-A. GRCh37 (hg19) VCF-style: chr16-46726333-T-A.
Other names: c.235T>A (NM_014321.3); short protein forms Y79N.
Identifiers: ClinVar variation 436123 (VCV000436123.8), dbSNP rs200089121, ClinGen allele CA8037332.